The following is an entry in ClinVar:

NM_002878.4(RAD51D):c.739-1G>A

Genes: RAD51D (RAD51 paralog D; minus strand), RAD51L3-RFFL (RAD51L3-RFFL readthrough; minus strand). Cytogenetic location: 17q12.
Variant type: single nucleotide variant.
Coding change: c.739-1G>A on transcript NM_002878.4 (MANE Select); the canonical splice acceptor site of the intron before coding-DNA position 739, G replaced by A.
Molecular consequence: splice acceptor variant.
Genome position (GRCh38, 1-based): chr17:35,101,366, C>T on the plus strand (G>A on the coding strand, the complement: RAD51D is on the minus strand). VCF-style: chr17-35101366-C-T. GRCh37 (hg19) VCF-style: chr17-33428385-C-T.
Other names: c.403-1G>A (NM_133629.3); c.799-1G>A (NM_001142571.2).
Identifiers: ClinVar variation 480532 (VCV000480532.19), dbSNP rs1555567202, ClinGen allele CA399086994.

ClinVar aggregate classification (germline): Likely pathogenic. Review status: criteria provided, multiple submitters, no conflicts (2 of 4 stars). 7 submissions from 7 submitters: Likely pathogenic (6). 1 of the submissions does not count toward it. Last evaluated 2026-06-09.

Conditions:
Hereditary breast ovarian cancer syndrome. Also called: Hereditary breast and ovarian cancer syndrome; BRCA1- and BRCA2-Associated Hereditary Breast and Ovarian Cancer; Hereditary breast and ovarian cancer syndrome (HBOC); Hereditary breast and/or ovarian cancer syndrome; Hereditary breast and ovarian cancer; Breast and ovarian cancer. Identifiers: Orphanet 145, MedGen C0677776, MeSH D061325, MONDO:0003582. Disease mechanism: loss of function.
Hereditary cancer-predisposing syndrome. Also called: Hereditary Cancer Syndrome; Neoplastic Syndromes, Hereditary; Tumor predisposition; Hereditary neoplastic syndrome. Identifiers: Orphanet 140162, MedGen C0027672, MeSH D009386, MONDO:0015356.
Breast-ovarian cancer, familial, susceptibility to, 4. Identifiers: Orphanet 145, MedGen C3280345, MONDO:0013669, OMIM 614291.
Malignant tumor of breast. Also called: Malignant breast neoplasm; Cancer breast. Identifiers: MedGen C0006142, MONDO:0007254. Disease mechanism: loss of function.

Allele frequency attached by ClinVar (database versions not stated): TOPMed 0.00001; gnomAD 0.00001.
gnomAD v4.1: 1 of 1,613,390 alleles (0.000062%); highest among the groups gnomAD compares: African/African-American, 0.0013%; no homozygotes.

Submissions (7):

German Consortium for Hereditary Breast and Ovarian Cancer, University Hospital Cologne
Classification: Likely pathogenic for Hereditary breast ovarian cancer syndrome. Last evaluated: 2026-06-09. Review status: criteria provided, single submitter. Criteria: ACMG SVI. Collection method: curation. Allele origin: germline.
Comment: This classification follows the ACMG SVI adaptation classification scheme; We chose these criteria: PVS1 (very strong pathogenic): Acceptor shift (33bp coding seq. partial intron 8 retention) - in-frame; altered region is critical to protein function, PM2 (supporting pathogenic): rare in gnomAD v4 (0,0001% female only)

Labcorp Genetics (formerly Invitae), Labcorp
Classification: Likely pathogenic for Breast-ovarian cancer, familial, susceptibility to, 4. Last evaluated: 2026-02-04. Review status: criteria provided, single submitter. Criteria: Invitae Variant Classification Sherloc (09022015). Collection method: clinical testing. Allele origin: germline.
Comment: This sequence change affects an acceptor splice site in intron 8 of the RAD51D gene. It is expected to disrupt RNA splicing. Variants that disrupt the donor or acceptor splice site typically lead to a loss of protein function (PMID: 16199547), and loss-of-function variants in RAD51D are known to be pathogenic (PMID: 21822267). This variant is not present in population databases (gnomAD no frequency). Disruption of this splice site has been observed in individual(s) with breast or lung cancer (PMID: 32427313, 36113475). ClinVar contains an entry for this variant (Variation ID: 480532). Studies have shown that disruption of this splice site is associated with altered splicing resulting in multiple RNA products (internal data). In summary, the currently available evidence indicates that the variant is pathogenic, but additional data are needed to prove that conclusively. Therefore, this variant has been classified as Likely Pathogenic.

Ambry Genetics
Classification: Likely pathogenic for Hereditary cancer-predisposing syndrome. Last evaluated: 2025-06-24. Review status: criteria provided, single submitter. Criteria: Ambry Variant Classification Scheme 2023. Collection method: clinical testing. Allele origin: germline.
Comment: The c.739-1G>A intronic variant results from a G to A substitution one nucleotide upstream from coding exon 9 of the RAD51D gene. This alteration was observed in 1 of 5054 African American women diagnosed with breast cancer (Palmer JR et al. J Natl Cancer Inst, 2020 Dec;112:1213-1221). This variant is considered to be rare based on population cohorts in the Genome Aggregation Database (gnomAD). This nucleotide position is highly conserved in available vertebrate species. In silico splice site analysis predicts that this alteration will weaken the native splice acceptor site and will result in the creation or strengthening of a novel splice acceptor site. Alterations that disrupt the canonical splice site are expected to cause aberrant splicing, resulting in an abnormal protein or a transcript that is subject to nonsense-mediated mRNA decay. As such, this alteration is classified as likely pathogenic.

Myriad Genetics, Inc.
Classification: Likely pathogenic for Breast-ovarian cancer, familial, susceptibility to, 4. Last evaluated: 2024-01-05. Review status: criteria provided, single submitter. Criteria: Myriad Autosomal Dominant, Autosomal Recessive and X-Linked Classification Criteria (2023). Collection method: clinical testing. Allele origin: unknown.
Comment: This variant is considered likely pathogenic. This variant occurs within a consensus splice junction and is predicted to result in abnormal mRNA splicing of either an out-of-frame exon or an in-frame exon necessary for protein stability and/or normal function.

Baylor Genetics
Classification: Likely pathogenic for Breast-ovarian cancer, familial, susceptibility to, 4. Last evaluated: 2024-01-03. Review status: criteria provided, single submitter. Criteria: ACMG Guidelines, 2015. Collection method: clinical testing. Allele origin: unknown.

GeneDx
Classification: Likely pathogenic. Last evaluated: 2023-08-10. Review status: criteria provided, single submitter. Criteria: GeneDx Variant Classification Process June 2021. Collection method: clinical testing. Allele origin: germline. Affected: yes.
Comment: Canonical splice site variant predicted to result in an in-frame loss of the adjacent exon in a gene for which loss of function is a known mechanism of disease; Not observed at significant frequency in large population cohorts (gnomAD); Observed in an individual with breast cancer in published literature (Palmer et al., 2020); This variant is associated with the following publications: (PMID: 36113475, 19327148, 14704354, 21111057, 32427313)

Department of Pathology and Laboratory Medicine, Sinai Health System
Classification: Pathogenic for Malignant tumor of breast. Review status: no assertion criteria provided. Collection method: clinical testing. Allele origin: unknown. Affected: yes. Study: The Canadian Open Genetics Repository (COGR). Not counted in ClinVar's aggregate classification.
Comment: The RAD51D c.739-1G>A variant was not identified in the literature nor was it identified in the dbSNP, Clinvitae, Cosmic, and Zhejiang Colon Cancer Database. The variant was identified in ClinVar (as likely pathogenic by Ambry Genetics). The variant was not identified in the following control databases: the 1000 Genomes Project, the NHLBI GO Exome Sequencing Project, the Exome Aggregation Consortium (August 8th 2016), or the Genome Aggregation Database (Feb 27, 2017). The c.739-1G>A variant is predicted to cause abnormal splicing because the nucleotide substitution occurs in the invariant region of the splice consensus sequence. In addition, 5 of 5 in silico or computational prediction software programs (SpliceSiteFinder, MaxEntScan, NNSPLICE, GeneSplicer, HumanSpliceFinder) predict a greater than 10% difference in splicing. In summary, based on the above information this variant meets our laboratoryâ€šÃ„Ã´s criteria to be classified as pathogenic.

Literature cited by the submitters: PubMed 16199547 (cited by Labcorp Genetics (formerly Invitae), Labcorp); PubMed 21822267 (cited by Labcorp Genetics (formerly Invitae), Labcorp); PubMed 32427313 (cited by Labcorp Genetics (formerly Invitae), Labcorp and Ambry Genetics); PubMed 36113475 (cited by Labcorp Genetics (formerly Invitae), Labcorp).